The following is an entry in ClinVar:

NM_001042492.3(NF1):c.2653G>A (p.Gly885Arg)

Gene: NF1 (neurofibromin 1; plus strand). Cytogenetic location: 17q11.2.
Variant type: single nucleotide variant.
Coding change: c.2653G>A on transcript NM_001042492.3 (MANE Select); coding-DNA position 2653, G replaced by A.
Protein change: p.Gly885Arg; replaces glycine 885 with arginine.
Molecular consequence: missense variant.
Genome position (GRCh38, 1-based): chr17:31,229,268, G>A. VCF-style: chr17-31229268-G-A. GRCh37 (hg19) VCF-style: chr17-29556286-G-A.
Other names: c.2653G>A, p.Gly885Arg (NM_000267.4); short protein forms G885R.
Identifiers: ClinVar variation 404457 (VCV000404457.10), dbSNP rs1060500272, ClinGen allele CA16615464.

ClinVar aggregate classification (germline): Uncertain significance. Review status: criteria provided, multiple submitters, no conflicts (2 of 4 stars). 3 submissions from 3 submitters: Uncertain significance (3). Last evaluated 2024-04-15.

Conditions:
Hereditary cancer-predisposing syndrome. Also called: Tumor predisposition; Neoplastic Syndromes, Hereditary; Hereditary Cancer Syndrome; Hereditary neoplastic syndrome. Identifiers: Orphanet 140162, MedGen C0027672, MeSH D009386, MONDO:0015356.
Cardiovascular phenotype. Identifiers: MedGen CN230736.
Neurofibromatosis, type 1 (NF1). Also called: Neurofibromatosis, type I; NEUROFIBROMATOSIS, TYPE I, SOMATIC; Peripheral type neurofibromatosis; VON RECKLINGHAUSEN DISEASE. Identifiers: Orphanet 636, MedGen C0027831, MONDO:0018975, OMIM 162200. Disease mechanism: loss of function.

Allele frequency attached by ClinVar (database versions not stated): gnomAD exomes below 0.00001.
gnomAD v4.1: 2 of 1,613,474 alleles (0.00012%); highest among the groups gnomAD compares: Non-Finnish European, 0.00017%; no homozygotes.

Submissions (3):

Labcorp Genetics (formerly Invitae), Labcorp
Classification: Uncertain significance for Neurofibromatosis, type 1. Last evaluated: 2024-04-15. Review status: criteria provided, single submitter. Criteria: Invitae Variant Classification Sherloc (09022015). Collection method: clinical testing. Allele origin: germline.
Comment: This sequence change replaces glycine, which is neutral and non-polar, with arginine, which is basic and polar, at codon 885 of the NF1 protein (p.Gly885Arg). This variant is not present in population databases (gnomAD no frequency). This missense change has been observed in individual(s) with sarcoma (PMID: 30093976). ClinVar contains an entry for this variant (Variation ID: 404457). Advanced modeling of protein sequence and biophysical properties (such as structural, functional, and spatial information, amino acid conservation, physicochemical variation, residue mobility, and thermodynamic stability) has been performed at Invitae for this missense variant, however the output from this modeling did not meet the statistical confidence thresholds required to predict the impact of this variant on NF1 protein function. In summary, the available evidence is currently insufficient to determine the role of this variant in disease. Therefore, it has been classified as a Variant of Uncertain Significance.

Genome-Nilou Lab
Classification: Uncertain significance for Neurofibromatosis, type 1. Last evaluated: 2022-03-15. Review status: criteria provided, single submitter. Criteria: ACMG Guidelines, 2015. Collection method: clinical testing. Allele origin: germline. Affected: no.

Ambry Genetics
Classification: Uncertain significance for Cardiovascular phenotype; Hereditary cancer-predisposing syndrome. Last evaluated: 2019-09-27. Review status: criteria provided, single submitter. Criteria: Ambry Variant Classification Scheme 2023. Collection method: clinical testing. Allele origin: germline.
Comment: The p.G885R variant (also known as c.2653G>A), located in coding exon 21 of the NF1 gene, results from a G to A substitution at nucleotide position 2653. The glycine at codon 885 is replaced by arginine, an amino acid with dissimilar properties. This amino acid position is well conserved in available vertebrate species. In addition, the in silico prediction for this alteration is inconclusive. Since supporting evidence is limited at this time, the clinical significance of this alteration remains unclear.

Literature cited by the submitters: PubMed 30093976 (cited by Labcorp Genetics (formerly Invitae), Labcorp).